The following is an entry in ClinVar:

NM_007294.4(BRCA1):c.4663del (p.Arg1555fs)

Gene: BRCA1 (BRCA1 DNA repair associated; minus strand). Cytogenetic location: 17q21.31.
Variant type: Deletion.
Coding change: c.4663del on transcript NM_007294.4 (MANE Select); coding-DNA position 4663, one base deleted (A; older notation c.4663delA).
Protein change: p.Arg1555fs; shifts the reading frame from arginine 1555.
Molecular consequence: frameshift variant. On other transcripts: non-coding transcript variant (1).
Genome position (GRCh38, 1-based): chr17:43,074,343, T deleted on the plus strand (A on the coding strand, the reverse complement: BRCA1 is on the minus strand); the first of 2 consecutive T bases (chr17:43,074,343-43,074,344); deleting either gives the same sequence. VCF-style (leftmost placement, unchanged base first): chr17-43074342-CT-C. GRCh37 (hg19) VCF-style: chr17-41226359-CT-C.
Other names: c.1350delA, p.Arg451Glyfs (NM_001407985.1, NM_001407986.1, NM_001407990.1 and 12 more transcripts); c.4662delA, p.Arg1555Glyfs (NM_001407598.1, NM_001407602.1, NM_001407593.1 and 9 more transcripts); c.4449delA, p.Arg1484Glyfs (NM_001407571.1, NM_001407894.1, NM_001407895.1 and 12 more transcripts); c.4728delA, p.Arg1577Glyfs (NM_001407581.1, NM_001407582.1); c.4725delA, p.Arg1576Glyfs (NM_001407583.1, NM_001407585.1, NM_001407587.1); c.4722delA, p.Arg1575Glyfs (NM_001407590.1, NM_001407591.1); c.1347delA, p.Arg450Glyfs (NM_001408392.1, NM_001408396.1, NM_001408400.1 and 8 more transcripts); c.1344delA, p.Arg449Glyfs (NM_001408406.1, NM_001408407.1, NM_001408408.1); and 71 more; short protein forms R1508fs, R1555fs, R1576fs, R451fs.
Identifiers: ClinVar variation 949796 (VCV000949796.12), dbSNP rs2052588365, ClinGen allele CA1139665586.

ClinVar aggregate classification (germline): Pathogenic (1 of 4 stars; one submission).

Conditions:
Hereditary breast ovarian cancer syndrome. Also called: Hereditary breast and/or ovarian cancer syndrome; Hereditary breast and ovarian cancer syndrome; Hereditary breast and ovarian cancer syndrome (HBOC); Breast and ovarian cancer; BRCA1- and BRCA2-Associated Hereditary Breast and Ovarian Cancer; Hereditary breast and ovarian cancer. Identifiers: Orphanet 145, MedGen C0677776, MeSH D061325, MONDO:0003582. Disease mechanism: loss of function.

Submission:

Labcorp Genetics (formerly Invitae), Labcorp
Classification: Pathogenic for Hereditary breast ovarian cancer syndrome. Last evaluated: 2019-08-08. Review status: criteria provided, single submitter. Criteria: Invitae Variant Classification Sherloc (09022015). Collection method: clinical testing. Allele origin: germline.
Comment: For these reasons, this variant has been classified as Pathogenic. Loss-of-function variants in BRCA1 are known to be pathogenic (PMID: 20104584). This variant has been observed in an individual with a personal and/or family history of breast and/or ovarian cancer (PMID: 27425403). This variant is not present in population databases (ExAC no frequency). This sequence change creates a premature translational stop signal (p.Arg1555Glyfs*4) in the BRCA1 gene. It is expected to result in an absent or disrupted protein product.

Literature cited by the submitters: PubMed 20104584; PubMed 27425403.